The following is an entry in ClinVar:

NM_004793.4(LONP1):c.233C>T (p.Ala78Val)

Gene: LONP1 (lon peptidase 1, mitochondrial; minus strand). Cytogenetic location: 19p13.3.
Variant type: single nucleotide variant.
Coding change: c.233C>T on transcript NM_004793.4 (MANE Select); coding-DNA position 233, C replaced by T.
Protein change: p.Ala78Val; replaces alanine 78 with valine.
Molecular consequence: missense variant. On other transcripts: intron variant (2).
Genome position (GRCh38, 1-based): chr19:5,719,900, G>A on the plus strand (C>T on the coding strand, the complement: LONP1 is on the minus strand). VCF-style: chr19-5719900-G-A. GRCh37 (hg19) VCF-style: chr19-5719911-G-A.
Other names: c.-160+319C>T (NM_001276480.1); c.125-84C>T (NM_001276479.2); c.233C>T (NM_004793.3); short protein forms A78V.
Identifiers: ClinVar variation 1538859 (VCV001538859.10), dbSNP rs200822235, ClinGen allele CA9115209.

ClinVar aggregate classification (germline): Benign. Review status: criteria provided, single submitter (1 of 4 stars). 2 submissions from 2 submitters: Benign (1). 1 of the submissions does not count toward it. Last evaluated 2026-01-19.

Conditions:
LONP1-related disorder. Also called: LONP1-related disorders; LONP1-related condition.

Allele frequency attached by ClinVar (database versions not stated): gnomAD exomes 0.00007 and 0.00018; ExAC 0.00038; 1000 Genomes Project 0.00040; 1000 Genomes Project 30x 0.00047; TOPMed 0.00066; gnomAD 0.00072 and 0.00080.
gnomAD v4.1: 216 of 1,555,758 alleles (0.014%); highest among the groups gnomAD compares: African/African-American, 0.27%; 1 homozygote.

Submissions (2):

Labcorp Genetics (formerly Invitae), Labcorp
Classification: Benign. Last evaluated: 2026-01-19. Review status: criteria provided, single submitter. Criteria: Invitae Variant Classification Sherloc (09022015). Collection method: clinical testing. Allele origin: germline.

PreventionGenetics, part of Exact Sciences
Classification: Likely benign for LONP1-related condition. Last evaluated: 2022-12-20. Review status: no assertion criteria provided. Collection method: clinical testing. Allele origin: germline. Not counted in ClinVar's aggregate classification.
Comment: This variant is classified as likely benign based on ACMG/AMP sequence variant interpretation guidelines (Richards et al. 2015 PMID: 25741868, with internal and published modifications).